The following is an entry in ClinVar:

ClinVar aggregate classification (germline): Benign. Review status: criteria provided, multiple submitters, no conflicts (2 of 4 stars). 3 submissions from 3 submitters: Benign (2). 1 of the submissions does not count toward it. Last evaluated 2019-12-31.

Conditions:
CHL1-related disorder. Also called: CHL1-related condition.

Allele frequency attached by ClinVar (database versions not stated): gnomAD exomes 0.00215; ExAC 0.00338; gnomAD 0.00710; 1000 Genomes Project 0.00779; ESP Exome Variant Server 0.00800; TOPMed 0.00832; 1000 Genomes Project 30x 0.00843.
gnomAD v4.1: 2,151 of 1,612,874 alleles (0.13%); highest among the groups gnomAD compares: African/African-American, 2.4%; 24 homozygotes.

Submissions (3):

Labcorp Genetics (formerly Invitae), Labcorp
Classification: Benign. Last evaluated: 2019-12-31. Review status: criteria provided, single submitter. Criteria: Invitae Variant Classification Sherloc (09022015). Collection method: clinical testing. Allele origin: germline.

Breakthrough Genomics
Classification: Benign. Review status: criteria provided, single submitter. Criteria: ACMG Guidelines, 2015. Collection method: not provided. Allele origin: germline. Inheritance: Unknown mechanism. Affected: yes.

PreventionGenetics, part of Exact Sciences
Classification: Benign for CHL1-related condition. Last evaluated: 2019-09-18. Review status: no assertion criteria provided. Collection method: clinical testing. Allele origin: germline. Not counted in ClinVar's aggregate classification.
Comment: This variant is classified as benign based on ACMG/AMP sequence variant interpretation guidelines (Richards et al. 2015 PMID: 25741868, with internal and published modifications).

NM_006614.4(CHL1):c.2278G>C (p.Gly760Arg)

Gene: CHL1 (cell adhesion molecule L1 like; plus strand). Cytogenetic location: 3p26.3.
Variant type: single nucleotide variant.
Coding change: c.2278G>C on transcript NM_006614.4 (MANE Select); coding-DNA position 2278, G replaced by C.
Protein change: p.Gly760Arg; replaces glycine 760 with arginine.
Molecular consequence: missense variant.
Genome position (GRCh38, 1-based): chr3:389,282, G>C. VCF-style: chr3-389282-G-C. GRCh37 (hg19) VCF-style: chr3-430965-G-C.
Other names: c.2230G>C, p.Gly744Arg (NM_001253387.2); c.2278G>C, p.Gly760Arg (NM_001253388.1); short protein forms G744R, G760R.
Identifiers: ClinVar variation 788967 (VCV000788967.7), dbSNP rs73105057, ClinGen allele CA2225074.